The following is an entry in ClinVar:

ClinVar aggregate classification (germline): Pathogenic. Review status: criteria provided, multiple submitters, no conflicts (2 of 4 stars). 2 submissions from 2 submitters: Pathogenic (2). Last evaluated 2025-02-26.

Conditions:
X-linked severe combined immunodeficiency (SCIDX1). Also called: IMMUNODEFICIENCY 4; SCID, X-LINKED; SEVERE COMBINED IMMUNODEFICIENCY, X-LINKED, T CELL-NEGATIVE, B CELL-POSITIVE, NK CELL-NEGATIVE; T-B+ severe combined immunodeficiency due to gamma chain deficiency; X-Linked Combined Immunodeficiency Diseases. Identifiers: Orphanet 276, MedGen C6022468, MONDO:0010315, OMIM 300400. Disease mechanism: loss of function.

Submissions (2):

GeneDx
Classification: Pathogenic. Last evaluated: 2025-02-26. Review status: criteria provided, single submitter. Criteria: GeneDx Variant Classification Process June 2021. Collection method: clinical testing. Allele origin: germline. Affected: yes.
Comment: Identified in a patient with severe combined immunodeficiency in published literature, however limited clinical information about this individual was provided; reported as IVS62A>C (PMID: 28747913); Canonical splice site variant predicted to result in a null allele in a gene for which loss of function is a known mechanism of disease; Not observed at significant frequency in large population cohorts (gnomAD); This variant is associated with the following publications: (PMID: 28359783, 35874699, 28747913)

Labcorp Genetics (formerly Invitae), Labcorp
Classification: Pathogenic for X-linked severe combined immunodeficiency. Last evaluated: 2021-09-05. Review status: criteria provided, single submitter. Criteria: Invitae Variant Classification Sherloc (09022015). Collection method: clinical testing. Allele origin: germline.
Comment: For these reasons, this variant has been classified as Pathogenic. Studies have shown that disruption of this splice site results in skipping of exon 7 and introduces a new termination codon (PMID: 28359783). However the mRNA is not expected to undergo nonsense-mediated decay. This variant is also known as g.IVS6−2A>C. Disruption of this splice site has been observed in individuals with severe combined immunodeficiency (PMID: 28359783, 28747913; Invitae). This variant is not present in population databases (ExAC no frequency). This sequence change affects an acceptor splice site in intron 6 of the IL2RG gene. RNA analysis indicates that disruption of this splice site induces altered splicing and likely disrupts the C-terminus of the protein.

Literature cited by the submitters: PubMed 28359783 (cited by Labcorp Genetics (formerly Invitae), Labcorp); PubMed 28747913 (cited by Labcorp Genetics (formerly Invitae), Labcorp).

NM_000206.3(IL2RG):c.855-2A>C

Gene: IL2RG (interleukin 2 receptor subunit gamma; minus strand). Cytogenetic location: Xq13.1.
Variant type: single nucleotide variant.
Coding change: c.855-2A>C on transcript NM_000206.3 (MANE Select); the canonical splice acceptor site of the intron before coding-DNA position 855, A replaced by C.
Molecular consequence: splice acceptor variant.
Genome position (GRCh38, 1-based): chrX:71,108,348, T>G on the plus strand (A>C on the coding strand, the complement: IL2RG is on the minus strand). VCF-style: chrX-71108348-T-G. GRCh37 (hg19) VCF-style: chrX-70328198-T-G.
Identifiers: ClinVar variation 1455468 (VCV001455468.7), dbSNP rs2147746826, ClinGen allele CA413628464.